The following is an entry in ClinVar:

ClinVar aggregate classification (germline): Uncertain significance (1 of 4 stars; one submission).

Allele frequency attached by ClinVar (database versions not stated): gnomAD exomes below 0.00001; ExAC 0.00001; gnomAD 0.00003; TOPMed 0.00004; ESP Exome Variant Server 0.00009.
gnomAD v4.1: 4 of 1,207,551 alleles (0.00033%); highest among the groups gnomAD compares: African/African-American, 0.0069%; no homozygotes.

Submission:

Labcorp Genetics (formerly Invitae), Labcorp
Classification: Uncertain significance. Last evaluated: 2023-11-11. Review status: criteria provided, single submitter. Criteria: Invitae Variant Classification Sherloc (09022015). Collection method: clinical testing. Allele origin: germline.
Comment: This sequence change replaces alanine, which is neutral and non-polar, with threonine, which is neutral and polar, at codon 291 of the NYX protein (p.Ala291Thr). The frequency data for this variant in the population databases is considered unreliable, as metrics indicate poor data quality at this position in the gnomAD database. This variant has not been reported in the literature in individuals affected with NYX-related conditions. ClinVar contains an entry for this variant (Variation ID: 1935825). Advanced modeling of protein sequence and biophysical properties (such as structural, functional, and spatial information, amino acid conservation, physicochemical variation, residue mobility, and thermodynamic stability) performed at Invitae indicates that this missense variant is not expected to disrupt NYX protein function with a negative predictive value of 80%. In summary, the available evidence is currently insufficient to determine the role of this variant in disease. Therefore, it has been classified as a Variant of Uncertain Significance.

NM_001378477.3(NYX):c.856G>A (p.Ala286Thr)

Gene: NYX (nyctalopin; plus strand). Cytogenetic location: Xp11.4.
Variant type: single nucleotide variant.
Coding change: c.856G>A on transcript NM_001378477.3 (MANE Select); coding-DNA position 856, G replaced by A.
Protein change: p.Ala286Thr; replaces alanine 286 with threonine.
Molecular consequence: missense variant.
Genome position (GRCh38, 1-based): chrX:41,474,324, G>A. VCF-style: chrX-41474324-G-A. GRCh37 (hg19) VCF-style: chrX-41333577-G-A.
Other names: c.856G>A, p.Ala286Thr (NM_022567.3); short protein forms A286T.
Identifiers: ClinVar variation 1935825 (VCV001935825.5), dbSNP rs139601761, ClinGen allele CA10389870.